The following is an entry in ClinVar:

NR_171028.1(LIPT2-AS1):n.452G>A

Genes: LIPT2-AS1 (LIPT2 antisense RNA 1; plus strand), LOC130006412 (ATAC-STARR-seq lymphoblastoid silent region 3754; plus strand). Cytogenetic location: 11q13.4.
Variant type: single nucleotide variant.
Molecular consequence: non-coding transcript variant (on NR_171028.1).
Genome position: GRCh38 VCF-style: chr11-74493831-G-A. GRCh37 (hg19) VCF-style: chr11-74204876-G-A.
Identifiers: ClinVar variation 2642150 (VCV002642150.23), dbSNP rs184618173, ClinGen allele CA224979377.

ClinVar aggregate classification (germline): Likely benign (1 of 4 stars; one submission).

Allele frequency attached by ClinVar (database versions not stated): gnomAD 0.00305; TOPMed 0.00325; 1000 Genomes Project 0.00479.

Submission:

CeGaT Center for Human Genetics Tuebingen
Classification: Likely benign. Last evaluated: 2023-05-01. Review status: criteria provided, single submitter. Criteria: CeGaT Center For Human Genetics Tuebingen Variant Classification Criteria Version 2. Collection method: clinical testing. Allele origin: germline. Affected: yes. Observed: 1 variant allele.
Comment: ENSG00000254837: BS1